The following is an entry in ClinVar:

ClinVar aggregate classification (germline): Uncertain significance. Review status: criteria provided, multiple submitters, no conflicts (2 of 4 stars). 2 submissions from 2 submitters: Uncertain significance (2). Last evaluated 2026-07-20.

Conditions:
INPP5E-related disorder. Also called: INPP5E-related condition.
Joubert syndrome. Also called: Familial aplasia of the vermis; JOUBERT-BOLTSHAUSER SYNDROME. Identifiers: Orphanet 475, MedGen C5979921, MONDO:0018772.

Submissions (2):

PreventionGenetics, part of Exact Sciences
Classification: Uncertain significance for INPP5E-related condition. Last evaluated: 2026-07-20. Review status: criteria provided, single submitter. Criteria: ACMG Guidelines, 2015. Collection method: clinical testing. Allele origin: germline.
Comment: The INPP5E c.163C>A variant is predicted to result in the amino acid substitution p.Pro55Thr. To our knowledge, this variant has not been reported in the literature or in a large population database (gnomAD), indicating this variant is rare. At this time, the clinical significance of this variant is uncertain due to the absence of conclusive functional and genetic evidence.

Labcorp Genetics (formerly Invitae), Labcorp
Classification: Uncertain significance for Joubert syndrome. Last evaluated: 2024-09-05. Review status: criteria provided, single submitter. Criteria: Invitae Variant Classification Sherloc (09022015). Collection method: clinical testing. Allele origin: germline.
Comment: This sequence change replaces proline, which is neutral and non-polar, with threonine, which is neutral and polar, at codon 55 of the INPP5E protein (p.Pro55Thr). This variant is not present in population databases (gnomAD no frequency). This variant has not been reported in the literature in individuals affected with INPP5E-related conditions. ClinVar contains an entry for this variant (Variation ID: 1380579). Invitae Evidence Modeling of protein sequence and biophysical properties (such as structural, functional, and spatial information, amino acid conservation, physicochemical variation, residue mobility, and thermodynamic stability) has been performed for this missense variant. However, the output from this modeling did not meet the statistical confidence thresholds required to predict the impact of this variant on INPP5E protein function. In summary, the available evidence is currently insufficient to determine the role of this variant in disease. Therefore, it has been classified as a Variant of Uncertain Significance.

NM_019892.6(INPP5E):c.163C>A (p.Pro55Thr)

Gene: INPP5E (inositol polyphosphate-5-phosphatase E; minus strand). Cytogenetic location: 9q34.3.
Variant type: single nucleotide variant.
Coding change: c.163C>A on transcript NM_019892.6 (MANE Select); coding-DNA position 163, C replaced by A.
Protein change: p.Pro55Thr; replaces proline 55 with threonine.
Molecular consequence: missense variant.
Genome position (GRCh38, 1-based): chr9:136,439,257, G>T on the plus strand (C>A on the coding strand, the complement: INPP5E is on the minus strand). VCF-style: chr9-136439257-G-T. GRCh37 (hg19) VCF-style: chr9-139333709-G-T.
Other names: c.163C>A (NM_019892.5); c.163C>A, p.Pro55Thr (NM_001318502.2); short protein forms P55T.
Identifiers: ClinVar variation 1380579 (VCV001380579.7), dbSNP rs1302116437, ClinGen allele CA375570938.